The following is an entry in ClinVar:

NM_001040108.2(MLH3):c.1307A>G (p.Asn436Ser)

Gene: MLH3 (mutL homolog 3; minus strand). Cytogenetic location: 14q24.3.
Variant type: single nucleotide variant.
Coding change: c.1307A>G on transcript NM_001040108.2 (MANE Select); coding-DNA position 1307, A replaced by G.
Protein change: p.Asn436Ser; replaces asparagine 436 with serine.
Molecular consequence: missense variant.
Genome position (GRCh38, 1-based): chr14:75,048,349, T>C on the plus strand (A>G on the coding strand, the complement: MLH3 is on the minus strand). VCF-style: chr14-75048349-T-C. GRCh37 (hg19) VCF-style: chr14-75515052-T-C.
Other names: c.1307A>G, p.Asn436Ser (NM_014381.3); short protein forms N436S.
Identifiers: ClinVar variation 1769542 (VCV001769542.4), dbSNP rs1283690225, ClinGen allele CA390446531.

ClinVar aggregate classification (germline): Uncertain significance. Review status: criteria provided, multiple submitters, no conflicts (2 of 4 stars). 2 submissions from 2 submitters: Uncertain significance (2). Last evaluated 2025-03-25.

Conditions:
Colorectal cancer, hereditary nonpolyposis, type 7. Identifiers: Orphanet 144, MedGen C1858380, MONDO:0013725, OMIM 614385.
Colorectal cancer. Also called: Colorectal cancer, somatic; Malignant Colorectal Neoplasm. Identifiers: MedGen C0346629, MONDO:0005575, OMIM 114500.
Endometrial carcinoma. Also called: Endometrial carcinoma, somatic. Identifiers: MedGen C0476089, MONDO:0002447, OMIM 608089, HP:0012114.

Submissions (2):

Ambry Genetics
Classification: Uncertain significance. Last evaluated: 2025-03-25. Review status: criteria provided, single submitter. Criteria: Ambry Variant Classification Scheme 2023. Collection method: clinical testing. Allele origin: germline.
Comment: The p.N436S variant (also known as c.1307A>G), located in coding exon 1 of the MLH3 gene, results from an A to G substitution at nucleotide position 1307. The asparagine at codon 436 is replaced by serine, an amino acid with highly similar properties. This amino acid position is conserved. In addition, this alteration is predicted to be tolerated by in silico analysis. Since supporting evidence is limited at this time, the clinical significance of this alteration remains unclear.

Fulgent Genetics
Classification: Uncertain significance for Colorectal cancer; Endometrial carcinoma; Colorectal cancer, hereditary nonpolyposis, type 7. Last evaluated: 2024-06-17. Review status: criteria provided, single submitter. Criteria: ACMG Guidelines, 2015. Collection method: clinical testing. Allele origin: germline.